The following is an entry in ClinVar:

ClinVar aggregate classification (germline): Likely benign. Review status: criteria provided, single submitter (1 of 4 stars). 3 submissions from 3 submitters: Likely benign (1). 2 of the submissions do not count toward it. Last evaluated 2023-12-31.

Conditions:
TECPR2-related disorder. Also called: TECPR2-related condition.
Hereditary spastic paraplegia 49 (HSAN9). Also called: TECPR2-Related Hereditary Sensory and Autonomic Neuropathy with Intellectual Disability; NEUROPATHY, HEREDITARY SENSORY AND AUTONOMIC, TYPE IX, WITH DEVELOPMENTAL DELAY; Spastic paraplegia 49, autosomal recessive. Identifiers: Orphanet 320385, MedGen C5190860, MONDO:0014016, OMIM 615031.

Allele frequency attached by ClinVar (database versions not stated): gnomAD 0.00001; ExAC 0.00002; TOPMed 0.00002; gnomAD exomes 0.00005.
gnomAD v4.1: 25 of 1,613,518 alleles (0.0015%); highest among the groups gnomAD compares: South Asian, 0.0022%; no homozygotes.

Submissions (3):

Labcorp Genetics (formerly Invitae), Labcorp
Classification: Likely benign for Hereditary spastic paraplegia 49. Last evaluated: 2023-12-31. Review status: criteria provided, single submitter. Criteria: Invitae Variant Classification Sherloc (09022015). Collection method: clinical testing. Allele origin: germline.

Natera, Inc.
Classification: Likely benign for Autosomal recessive spastic paraplegia type 49. Last evaluated: 2020-02-06. Review status: no assertion criteria provided. Collection method: clinical testing. Allele origin: germline. Not counted in ClinVar's aggregate classification.

PreventionGenetics, part of Exact Sciences
Classification: Likely benign for TECPR2-related condition. Last evaluated: 2019-08-08. Review status: no assertion criteria provided. Collection method: clinical testing. Allele origin: germline. Not counted in ClinVar's aggregate classification.
Comment: This variant is classified as likely benign based on ACMG/AMP sequence variant interpretation guidelines (Richards et al. 2015 PMID: 25741868, with internal and published modifications).

NM_014844.5(TECPR2):c.3792C>T (p.Pro1264=)

Gene: TECPR2 (tectonin beta-propeller repeat containing 2; plus strand). Cytogenetic location: 14q32.31.
Variant type: single nucleotide variant.
Coding change: c.3792C>T on transcript NM_014844.5 (MANE Select); coding-DNA position 3792, C replaced by T.
Protein change: p.Pro1264=; no amino-acid change (proline 1264 retained).
Molecular consequence: synonymous variant.
Genome position (GRCh38, 1-based): chr14:102,496,981, C>T. VCF-style: chr14-102496981-C-T. GRCh37 (hg19) VCF-style: chr14-102963318-C-T.
Other names: c.3792C>T (NM_014844.4).
Identifiers: ClinVar variation 1153128 (VCV001153128.14), dbSNP rs766197921, ClinGen allele CA7358354.